The following is an entry in ClinVar:

Conditions:
Breast-ovarian cancer, familial, susceptibility to, 1 (BROVCA1). Also called: BRCA1 Hereditary Breast and Ovarian Cancer; OVARIAN CANCER, SUSCEPTIBILITY TO. Identifiers: Orphanet 145, MedGen C2676676, MONDO:0011450, OMIM 604370. Disease mechanism: loss of function.

Submission:

Brotman Baty Institute, University of Washington
No classification provided (evidence only). Condition: Breast-ovarian cancer, familial 1. Review status: no classification provided. Collection method: in vitro. Allele origin: not applicable. Functional consequence: function_uncertain_variant.
ClinVar note: "not provided" was previously submitted as the classification for the variant. However, the classification appeared to be based only on an observation of functional data so it was converted to no classification on 2025-07-30.

NM_007294.4(BRCA1):c.81-4C>G

Gene: BRCA1 (BRCA1 DNA repair associated; minus strand). Cytogenetic location: 17q21.31.
Variant type: single nucleotide variant.
Coding change: c.81-4C>G on transcript NM_007294.4 (MANE Select); 4 bases into the intron before coding-DNA position 81, C replaced by G.
Molecular consequence: intron variant.
Genome position (GRCh38, 1-based): chr17:43,115,783, G>C on the plus strand (C>G on the coding strand, the complement: BRCA1 is on the minus strand). VCF-style: chr17-43115783-G-C. GRCh37 (hg19) VCF-style: chr17-41267800-G-C.
Other names: c.-61-4C>G (NM_001408458.1, NM_001408470.1, NM_001407848.1 and 47 more transcripts); c.-219+9494C>G (NM_001407967.1); c.-170+9494C>G (NM_001407959.1); c.-7-9250C>G (NM_001407931.1, NM_001407747.1, NM_001408511.1 and 2 more transcripts); c.-223-4C>G (NM_001407962.1, NM_001408512.1, NM_001408510.1 and 1 more transcripts); c.-108-4C>G (NM_001407885.1, NM_001407886.1, NM_001408509.1 and 52 more transcripts); c.-177-4C>G (NM_001407746.1, NM_001408468.1, NM_001407842.1 and 13 more transcripts); c.-8+8234C>G (NM_001408461.1, NM_001407738.1, NM_001407932.1 and 23 more transcripts); and 10 more.
Identifiers: ClinVar variation 865087 (VCV000865087.3), dbSNP rs1000484532, ClinGen allele CA916081031.